The following is an entry in ClinVar:

ClinVar aggregate classification (germline): Likely benign. Review status: criteria provided, multiple submitters, no conflicts (2 of 4 stars). 3 submissions from 3 submitters: Likely benign (3). Last evaluated 2026-01-06.

Conditions:
Cardiomyopathy (CMYO). Also called: Cardiomyopathies. Identifiers: Orphanet 167848, MedGen C0878544, MONDO:0004994, HP:0001638. Inheritance: Various modes of inheritance.
Lethal congenital glycogen storage disease of heart. Also called: PHOSPHORYLASE KINASE DEFICIENCY OF HEART; GLYCOGEN STORAGE DISEASE OF HEART. Identifiers: Orphanet 439854, MedGen C1849813, MONDO:0009867, OMIM 261740.
Hypertrophic cardiomyopathy. Also called: HYPERTROPHIC MYOCARDIOPATHY. Identifiers: Orphanet 217569, MedGen C0007194, MeSH D002312, MONDO:0005045, HP:0001639.

Submissions (3):

Labcorp Genetics (formerly Invitae), Labcorp
Classification: Likely benign for Lethal congenital glycogen storage disease of heart. Last evaluated: 2026-01-06. Review status: criteria provided, single submitter. Criteria: Invitae Variant Classification Sherloc (09022015). Collection method: clinical testing. Allele origin: germline.

All of Us Research Program, National Institutes of Health
Classification: Likely benign for Hypertrophic cardiomyopathy. Last evaluated: 2023-07-10. Review status: criteria provided, single submitter. Criteria: ACMG Guidelines, 2015. Collection method: clinical testing. Allele origin: germline. Inheritance: Autosomal dominant inheritance. Observed: 1 variant allele, 1 heterozygote.
Comment: This study involves interpretation of variants in research participants for the purpose of population health screening. Participant phenotype was not available at the time of variant classification. Additional details can be found in publication PMID: 35346344, PMCID: PMC8962531

Color Diagnostics, LLC DBA Color Health
Classification: Likely benign for Cardiomyopathy. Last evaluated: 2021-03-23. Review status: criteria provided, single submitter. Criteria: ACMG Guidelines, 2015. Collection method: clinical testing. Allele origin: germline.

NM_016203.4(PRKAG2):c.467-10T>C

Gene: PRKAG2 (protein kinase AMP-activated non-catalytic subunit gamma 2; minus strand). Cytogenetic location: 7q36.1.
Variant type: single nucleotide variant.
Coding change: c.467-10T>C on transcript NM_016203.4 (MANE Select); 10 bases into the intron before coding-DNA position 467, T replaced by C.
Molecular consequence: intron variant.
Genome position (GRCh38, 1-based): chr7:151,675,647, A>G on the plus strand (T>C on the coding strand, the complement: PRKAG2 is on the minus strand). VCF-style: chr7-151675647-A-G. GRCh37 (hg19) VCF-style: chr7-151372733-A-G.
Other names: c.335-10T>C (NM_001040633.2); c.95-10T>C (NM_001304527.2, NM_001363698.2).
Identifiers: ClinVar variation 1332118 (VCV001332118.4), dbSNP rs727503378, ClinGen allele CA2573052842.